The following is an entry in ClinVar:

ClinVar aggregate classification (germline): Uncertain significance (1 of 4 stars; one submission).

Allele frequency attached by ClinVar (database versions not stated): gnomAD exomes below 0.00001; ExAC 0.00001; gnomAD 0.00001.
gnomAD v4.1: 2 of 1,613,812 alleles (0.00012%); highest among the groups gnomAD compares: Non-Finnish European, 0.00017%; no homozygotes.

Submission:

Labcorp Genetics (formerly Invitae), Labcorp
Classification: Uncertain significance. Last evaluated: 2023-10-03. Review status: criteria provided, single submitter. Criteria: Invitae Variant Classification Sherloc (09022015). Collection method: clinical testing. Allele origin: germline.
Comment: This sequence change replaces glycine, which is neutral and non-polar, with valine, which is neutral and non-polar, at codon 901 of the ADGRA3 protein (p.Gly901Val). This variant is not present in population databases (gnomAD no frequency). This variant has not been reported in the literature in individuals affected with ADGRA3-related conditions. ClinVar contains an entry for this variant (Variation ID: 1968727). An algorithm developed to predict the effect of missense changes on protein structure and function (PolyPhen-2) suggests that this variant is likely to be disruptive. In summary, the available evidence is currently insufficient to determine the role of this variant in disease. Therefore, it has been classified as a Variant of Uncertain Significance.

NM_145290.4(ADGRA3):c.2702G>T (p.Gly901Val)

Gene: ADGRA3 (adhesion G protein-coupled receptor A3; minus strand). Cytogenetic location: 4p15.2.
Variant type: single nucleotide variant.
Coding change: c.2702G>T on transcript NM_145290.4 (MANE Select); coding-DNA position 2702, G replaced by T.
Protein change: p.Gly901Val; replaces glycine 901 with valine.
Molecular consequence: missense variant.
Genome position (GRCh38, 1-based): chr4:22,389,109, C>A on the plus strand (G>T on the coding strand, the complement: ADGRA3 is on the minus strand). VCF-style: chr4-22389109-C-A. GRCh37 (hg19) VCF-style: chr4-22390732-C-A.
Other names: short protein forms G901V.
Identifiers: ClinVar variation 1968727 (VCV001968727.5), dbSNP rs781064615, ClinGen allele CA2873551.